The following is an entry in ClinVar:

ClinVar aggregate classification (germline): Uncertain significance (1 of 4 stars; one submission).

Conditions:
Hereditary cancer-predisposing syndrome. Also called: Neoplastic Syndromes, Hereditary; Tumor predisposition; Hereditary Cancer Syndrome; Hereditary neoplastic syndrome. Identifiers: Orphanet 140162, MedGen C0027672, MeSH D009386, MONDO:0015356.

Submission:

Ambry Genetics
Classification: Uncertain significance for Hereditary cancer-predisposing syndrome. Last evaluated: 2022-05-13. Review status: criteria provided, single submitter. Criteria: Ambry Variant Classification Scheme 2023. Collection method: clinical testing. Allele origin: germline.
Comment: The p.L6F variant (also known as c.16C>T), located in coding exon 1 of the ALK gene, results from a C to T substitution at nucleotide position 16. The leucine at codon 6 is replaced by phenylalanine, an amino acid with highly similar properties. This amino acid position is conserved. In addition, this alteration is predicted to be tolerated by in silico analysis. Since supporting evidence is limited at this time, the clinical significance of this alteration remains unclear.

NM_004304.5(ALK):c.16C>T (p.Leu6Phe)

Gene: ALK (ALK receptor tyrosine kinase; minus strand). Cytogenetic location: 2p23.1.
Variant type: single nucleotide variant.
Coding change: c.16C>T on transcript NM_004304.5 (MANE Select); coding-DNA position 16, C replaced by T.
Protein change: p.Leu6Phe; replaces leucine 6 with phenylalanine.
Molecular consequence: missense variant.
Genome position (GRCh38, 1-based): chr2:29,920,644, G>A on the plus strand (C>T on the coding strand, the complement: ALK is on the minus strand). VCF-style: chr2-29920644-G-A. GRCh37 (hg19) VCF-style: chr2-30143510-G-A.
Other names: short protein forms L6F.
Identifiers: ClinVar variation 1778326 (VCV001778326.2), dbSNP rs2148444159, ClinGen allele CA346590844.